The following is an entry in ClinVar:

ClinVar aggregate classification (germline): Likely benign. Review status: criteria provided, multiple submitters, no conflicts (2 of 4 stars). 3 submissions from 3 submitters: Likely benign (2). 1 of the submissions does not count toward it. Last evaluated 2026-01-15.

Conditions:
CREB3L1-related disorder. Also called: CREB3L1-related condition.

Allele frequency attached by ClinVar (database versions not stated): ESP Exome Variant Server 0.00026; gnomAD exomes 0.00036; ExAC 0.00068; TOPMed 0.00201; 1000 Genomes Project 30x 0.00203; gnomAD 0.00208 and 0.00218; 1000 Genomes Project 0.00260.
gnomAD v4.1: 552 of 1,547,540 alleles (0.036%); highest among the groups gnomAD compares: African/African-American, 0.61%; 2 homozygotes.

Submissions (3):

Labcorp Genetics (formerly Invitae), Labcorp
Classification: Likely benign. Last evaluated: 2026-01-15. Review status: criteria provided, single submitter. Criteria: Invitae Variant Classification Sherloc (09022015). Collection method: clinical testing. Allele origin: germline.

Women's Health and Genetics/Laboratory Corporation of America, LabCorp
Classification: Likely benign. Last evaluated: 2024-02-08. Review status: criteria provided, single submitter. Criteria: LabCorp Variant Classification Summary - May 2015. Collection method: clinical testing. Allele origin: germline.
Comment: Variant summary: CREB3L1 c.463A>C (p.Thr155Pro) results in a non-conservative amino acid change in the encoded protein sequence. Four of five in-silico tools predict a benign effect of the variant on protein function. The variant allele was found at a frequency of 0.00036 in 1547540 control chromosomes, predominantly at a frequency of 0.0061 within the African or African-American subpopulation in the gnomAD database, including 2 homozygotes. To our knowledge, no occurrence of c.463A>C in individuals affected with Osteogenesis Imperfecta Type 16 and no experimental evidence demonstrating its impact on protein function have been reported. ClinVar contains an entry for this variant (Variation ID: 1569640). Based on the evidence outlined above, the variant was classified as likely benign.

PreventionGenetics, part of Exact Sciences
Classification: Benign for CREB3L1-related condition. Last evaluated: 2019-08-08. Review status: no assertion criteria provided. Collection method: clinical testing. Allele origin: germline. Not counted in ClinVar's aggregate classification.
Comment: This variant is classified as benign based on ACMG/AMP sequence variant interpretation guidelines (Richards et al. 2015 PMID: 25741868, with internal and published modifications).

NM_052854.4(CREB3L1):c.463A>C (p.Thr155Pro)

Gene: CREB3L1 (cAMP responsive element binding protein 3 like 1; plus strand). Cytogenetic location: 11p11.2.
Variant type: single nucleotide variant.
Coding change: c.463A>C on transcript NM_052854.4 (MANE Select); coding-DNA position 463, A replaced by C.
Protein change: p.Thr155Pro; replaces threonine 155 with proline.
Molecular consequence: missense variant.
Genome position (GRCh38, 1-based): chr11:46,307,947, A>C. VCF-style: chr11-46307947-A-C. GRCh37 (hg19) VCF-style: chr11-46329498-A-C.
Other names: c.463A>C (NM_052854.3); short protein forms T155P.
Identifiers: ClinVar variation 1569640 (VCV001569640.12), dbSNP rs372330073, ClinGen allele CA5961590.
Genomic context (GRCh38, chr11:46,307,947, plus strand): 5'-GAGCTGCCCGTGGACCCTCTGGCTGCCCCCTCGGCCATGGCTGCCGCGGCCGCCATGGCC[A>C]CCACCCCGCTGCTGGGCCTCAGCCCCTTGTCCAGGCTGCCCATCCCCCACCAGGTGAGCC-3'
Protein context (NP_443086.1, residues 145-165): SAMAAAAAMA[Thr155Pro]TPLLGLSPLS